The following is an entry in ClinVar:

ClinVar aggregate classification (germline): Pathogenic (1 of 4 stars; one submission).

Conditions:
Tyrosinemia type I (TYRSN1). Also called: Tyrosinemia type 1; Fumarylacetoacetase deficiency; Deficiency of fumarylacetoacetase; HEPATORENAL TYROSINEMIA; FAH DEFICIENCY. Identifiers: Orphanet 882, MedGen C0268490, MONDO:0010161, OMIM 276700. Disease mechanism: loss of function.

Submission:

Labcorp Genetics (formerly Invitae), Labcorp
Classification: Pathogenic for Tyrosinemia type I. Last evaluated: 2022-06-09. Review status: criteria provided, single submitter. Criteria: Invitae Variant Classification Sherloc (09022015). Collection method: clinical testing. Allele origin: germline.
Comment: A gross deletion of the genomic region encompassing the full coding sequence of the FAH gene has been identified. Loss-of-function variants in FAH are known to be pathogenic (PMID: 9101289, 9633815). The boundaries of this event are unknown as they extend beyond the assayed region for this gene and therefore may encompass additional genes. This variant has not been reported in the literature in individuals affected with FAH-related conditions. For these reasons, this variant has been classified as Pathogenic.

Literature cited by the submitters: PubMed 9101289; PubMed 9633815.

NC_000015.9:g.(?_80445387)_(80478561_?)del

Gene: FAH (fumarylacetoacetate hydrolase; plus strand). Cytogenetic location: 15q25.1.
Variant type: Deletion.
Identifiers: ClinVar variation 1071694 (VCV001071694.6).